The following is an entry in ClinVar:

ClinVar aggregate classification (germline): Benign/Likely benign. Review status: criteria provided, multiple submitters, no conflicts (2 of 4 stars). 4 submissions from 4 submitters: Benign (1); Likely benign (3). Last evaluated 2026-07-01.

Allele frequency attached by ClinVar (database versions not stated): 1000 Genomes Project 30x 0.00234; 1000 Genomes Project 0.00240; gnomAD exomes 0.00414 and 0.00718; TOPMed 0.00436; gnomAD 0.00460 and 0.00471; ExAC 0.00466; ESP Exome Variant Server 0.00625.
gnomAD v4.1: 11,019 of 1,606,886 alleles (0.69%); highest among the groups gnomAD compares: Non-Finnish European, 0.86%; 45 homozygotes.

Submissions (4):

CeGaT Center for Human Genetics Tuebingen
Classification: Likely benign. Last evaluated: 2026-07-01. Review status: criteria provided, single submitter. Criteria: CeGaT Center For Human Genetics Tuebingen Variant Classification Criteria Version 2. Collection method: clinical testing. Allele origin: germline. Affected: yes. Observed: 13 variant alleles.
Comment: WDR45B: BS2

Blueprint Genetics
Classification: Likely benign. Last evaluated: 2024-11-20. Review status: criteria provided, single submitter. Criteria: ACMG Guidelines, 2015. Collection method: clinical testing. Allele origin: germline.

Labcorp Genetics (formerly Invitae), Labcorp
Classification: Benign. Last evaluated: 2019-12-31. Review status: criteria provided, single submitter. Criteria: Invitae Variant Classification Sherloc (09022015). Collection method: clinical testing. Allele origin: germline.

Breakthrough Genomics
Classification: Likely benign. Review status: criteria provided, single submitter. Criteria: ACMG Guidelines, 2015. Collection method: not provided. Allele origin: germline. Inheritance: Autosomal recessive inheritance. Affected: yes.

NM_019613.4(WDR45B):c.17G>A (p.Cys6Tyr)

Gene: WDR45B (WD repeat domain 45B; minus strand). Cytogenetic location: 17q25.3.
Variant type: single nucleotide variant.
Coding change: c.17G>A on transcript NM_019613.4 (MANE Select); coding-DNA position 17, G replaced by A.
Protein change: p.Cys6Tyr; replaces cysteine 6 with tyrosine.
Molecular consequence: missense variant.
Genome position (GRCh38, 1-based): chr17:82,648,324, C>T on the plus strand (G>A on the coding strand, the complement: WDR45B is on the minus strand). VCF-style: chr17-82648324-C-T. GRCh37 (hg19) VCF-style: chr17-80606200-C-T.
Other names: short protein forms C6Y.
Identifiers: ClinVar variation 782790 (VCV000782790.38), dbSNP rs148665559, ClinGen allele CA8860212.